The following is an entry in ClinVar:

ClinVar aggregate classification (germline): Uncertain significance (1 of 4 stars; one submission).

Conditions:
Hereditary pancreatitis (PCTT). Also called: PRSS1-Related Hereditary Pancreatitis; Hereditary chronic pancreatitis. Identifiers: Orphanet 676, MedGen C0238339, MONDO:0008185, OMIM 167800.

Allele frequency attached by ClinVar (database versions not stated): TOPMed 0.00002; gnomAD 0.00011; 1000 Genomes Project 30x 0.00031; 1000 Genomes Project 0.00040.

Submission:

Labcorp Genetics (formerly Invitae), Labcorp
Classification: Uncertain significance for Hereditary pancreatitis. Last evaluated: 2022-08-15. Review status: criteria provided, single submitter. Criteria: Invitae Variant Classification Sherloc (09022015). Collection method: clinical testing. Allele origin: germline.
Comment: This variant occurs in a non-coding region of the PRSS1 gene. It does not change the encoded amino acid sequence of the PRSS1 protein. The frequency data for this variant in the population databases is considered unreliable, as metrics indicate poor data quality at this position in the gnomAD database. This variant has been observed in individual(s) with pancreatitis (PMID: 26546433). Experimental studies and prediction algorithms are not available or were not evaluated, and the functional significance of this variant is currently unknown. In summary, the available evidence is currently insufficient to determine the role of this variant in disease. Therefore, it has been classified as a Variant of Uncertain Significance.

Literature cited by the submitters: PubMed 26546433.

NC_000007.14:g.142749147T>G

Genes: TRB (T cell receptor beta locus; plus strand), PRSS1 (serine protease 1; plus strand). Cytogenetic location: 7q34.
Variant type: single nucleotide variant.
Genome position: GRCh38 VCF-style: chr7-142749147-T-G. GRCh37 (hg19) VCF-style: chr7-142456998-T-G.
Identifiers: ClinVar variation 2175678 (VCV002175678.5), dbSNP rs184553357, ClinGen allele CA168144763.